The following is an entry in ClinVar:

NM_005215.4(DCC):c.840C>G (p.Ile280Met)

Gene: DCC (DCC netrin 1 receptor; plus strand). Cytogenetic location: 18q21.2.
Variant type: single nucleotide variant.
Coding change: c.840C>G on transcript NM_005215.4 (MANE Select); coding-DNA position 840, C replaced by G.
Protein change: p.Ile280Met; replaces isoleucine 280 with methionine.
Molecular consequence: missense variant.
Genome position (GRCh38, 1-based): chr18:52,923,849, C>G. VCF-style: chr18-52923849-C-G. GRCh37 (hg19) VCF-style: chr18-50450219-C-G.
Other names: short protein forms I280M.
Identifiers: ClinVar variation 2504839 (VCV002504839.1), dbSNP rs1428393731, ClinGen allele CA402514375.

ClinVar aggregate classification (germline): Uncertain significance (1 of 4 stars; one submission).

Allele frequency attached by ClinVar (database versions not stated): TOPMed below 0.00001.

Submission:

GeneDx
Classification: Uncertain significance. Last evaluated: 2022-12-08. Review status: criteria provided, single submitter. Criteria: GeneDx Variant Classification Process June 2021. Collection method: clinical testing. Allele origin: germline. Affected: yes.
Comment: Not observed at significant frequency in large population cohorts (gnomAD); In silico analysis supports that this missense variant does not alter protein structure/function; Has not been previously published as pathogenic or benign to our knowledge